The following is an entry in ClinVar:

NM_014956.5(CEP164):c.1336A>G (p.Ile446Val)

Gene: CEP164 (centrosomal protein 164; plus strand). Cytogenetic location: 11q23.3.
Variant type: single nucleotide variant.
Coding change: c.1336A>G on transcript NM_014956.5 (MANE Select); coding-DNA position 1336, A replaced by G.
Protein change: p.Ile446Val; replaces isoleucine 446 with valine.
Molecular consequence: missense variant.
Genome position (GRCh38, 1-based): chr11:117,380,632, A>G. VCF-style: chr11-117380632-A-G. GRCh37 (hg19) VCF-style: chr11-117251348-A-G.
Other names: c.1336A>G, p.Ile446Val (NM_001271933.2); c.1336A>G (NM_014956.4); short protein forms I446V.
Identifiers: ClinVar variation 1002199 (VCV001002199.8), dbSNP rs1213789533, ClinGen allele CA382741586.
Genomic context (GRCh38, chr11:117,380,632, plus strand): 5'-CAGTCCCTCCAACACAAACTTTTTATTGCTTCTCTCCTACAGGCCCAGCAACCACTGGGA[A>G]TAGAAGACAAGGATGACAGCCAGTCCAGCCAAGATGAGCTGCAGAGCAAGCAGTCCAAAG-3'
Protein context (NP_055771.4, residues 436-456): ACRQAQQPLG[Ile446Val]EDKDDSQSSQ

ClinVar aggregate classification (germline): Uncertain significance. Review status: criteria provided, multiple submitters, no conflicts (2 of 4 stars). 2 submissions from 2 submitters: Uncertain significance (2). Last evaluated 2026-07-13.

Conditions:
CEP164-related disorder. Also called: CEP164-related condition.
Nephronophthisis 15 (NPHP15). Identifiers: Orphanet 3156, MedGen C3541853, MONDO:0013917, OMIM 614845.

Allele frequency attached by ClinVar (database versions not stated): gnomAD exomes 0.00001; gnomAD 0.00002; TOPMed 0.00003.
gnomAD v4.1: 10 of 1,604,726 alleles (0.00062%); highest among the groups gnomAD compares: African/African-American, 0.012%; no homozygotes.

Submissions (2):

PreventionGenetics, part of Exact Sciences
Classification: Uncertain significance for CEP164-related condition. Last evaluated: 2026-07-13. Review status: criteria provided, single submitter. Criteria: ACMG Guidelines, 2015. Collection method: clinical testing. Allele origin: germline.
Comment: The CEP164 c.1336A>G variant is predicted to result in the amino acid substitution p.Ile446Val. To our knowledge, this variant has not been reported in the literature. This variant is reported in 0.013% of alleles in individuals of African descent in gnomAD. At this time, the clinical significance of this variant is uncertain due to the absence of conclusive functional and genetic evidence.

Labcorp Genetics (formerly Invitae), Labcorp
Classification: Uncertain significance for Nephronophthisis 15. Last evaluated: 2022-06-20. Review status: criteria provided, single submitter. Criteria: Invitae Variant Classification Sherloc (09022015). Collection method: clinical testing. Allele origin: germline.
Comment: In summary, the available evidence is currently insufficient to determine the role of this variant in disease. Therefore, it has been classified as a Variant of Uncertain Significance. Algorithms developed to predict the effect of missense changes on protein structure and function (SIFT, PolyPhen-2, Align-GVGD) all suggest that this variant is likely to be tolerated. ClinVar contains an entry for this variant (Variation ID: 1002199). This variant has not been reported in the literature in individuals affected with CEP164-related conditions. The frequency data for this variant in the population databases is considered unreliable, as metrics indicate poor data quality at this position in the gnomAD database. This sequence change replaces isoleucine, which is neutral and non-polar, with valine, which is neutral and non-polar, at codon 446 of the CEP164 protein (p.Ile446Val).